The following is an entry in ClinVar:

NM_006031.6(PCNT):c.7059G>A (p.Pro2353=)

Gene: PCNT (pericentrin; plus strand). Cytogenetic location: 21q22.3.
Variant type: single nucleotide variant.
Coding change: c.7059G>A on transcript NM_006031.6 (MANE Select); coding-DNA position 7059, G replaced by A.
Protein change: p.Pro2353=; no amino-acid change (proline 2353 retained).
Molecular consequence: synonymous variant.
Genome position (GRCh38, 1-based): chr21:46,422,004, G>A. VCF-style: chr21-46422004-G-A. GRCh37 (hg19) VCF-style: chr21-47841918-G-A.
Other names: c.6705G>A, p.Pro2235= (NM_001315529.2).
Identifiers: ClinVar variation 381388 (VCV000381388.6), dbSNP rs149413536, ClinGen allele CA10080510.
Genomic context (GRCh38, chr21:46,422,004, plus strand): 5'-GGACCCTGACCCTGTGGTGTTTTTAGGTGACGGCTCGGGTTTTGGAGCAAGACTGAGCCC[G>A]GGGTCAGGAGGCCCTGAGGCTCAAACTGCTGGTCCTGTGACCCCTGCTTCCATCTCTGGA-3'
Protein context (NP_006022.3, residues 2343-2363): DGSGFGARLS[Pro2353=]GSGGPEAQTA

ClinVar aggregate classification (germline): Likely benign. Review status: criteria provided, multiple submitters, no conflicts (2 of 4 stars). 3 submissions from 3 submitters: Likely benign (2). 1 of the submissions does not count toward it. Last evaluated 2025-12-20.

Conditions:
PCNT-related disorder. Also called: PCNT-related condition.

Allele frequency attached by ClinVar (database versions not stated): TOPMed 0.00001; ESP Exome Variant Server 0.00008.
gnomAD v4.1: 34 of 1,613,966 alleles (0.0021%); highest among the groups gnomAD compares: Admixed American, 0.0083%; no homozygotes.

Submissions (3):

Labcorp Genetics (formerly Invitae), Labcorp
Classification: Likely benign. Last evaluated: 2025-12-20. Review status: criteria provided, single submitter. Criteria: Invitae Variant Classification Sherloc (09022015). Collection method: clinical testing. Allele origin: germline.

GeneDx
Classification: Likely benign. Last evaluated: 2015-11-20. Review status: criteria provided, single submitter. Criteria: GeneDx Variant Classification (06012015). Collection method: clinical testing. Allele origin: germline. Affected: yes.
Comment: This variant is considered likely benign or benign based on one or more of the following criteria: it is a conservative change, it occurs at a poorly conserved position in the protein, it is predicted to be benign by multiple in silico algorithms, and/or has population frequency not consistent with disease.

PreventionGenetics, part of Exact Sciences
Classification: Likely benign for PCNT-related condition. Last evaluated: 2022-06-10. Review status: no assertion criteria provided. Collection method: clinical testing. Allele origin: germline. Not counted in ClinVar's aggregate classification.
Comment: This variant is classified as likely benign based on ACMG/AMP sequence variant interpretation guidelines (Richards et al. 2015 PMID: 25741868, with internal and published modifications).